The following is an entry in ClinVar:

NM_001378454.1(ALMS1):c.12111dup (p.Gln4038fs)

Genes: ALMS1 (ALMS1 centrosome and basal body associated protein; plus strand), LOC126806252 (BRD4-independent group 4 enhancer GRCh37_chr2:73828496-73829695; plus strand). Cytogenetic location: 2p13.1.
Variant type: Duplication.
Coding change: c.12111dup on transcript NM_001378454.1 (MANE Select); coding-DNA position 12111, one base duplicated (T; older notation c.12111dupT).
Protein change: p.Gln4038fs; shifts the reading frame from glutamine 4038.
Molecular consequence: frameshift variant.
Genome position (GRCh38, 1-based): chr2:73,601,433, T duplicated; the last of 2 consecutive T bases (chr2:73,601,432-73,601,433); duplicating either gives the same sequence. VCF-style (leftmost placement, unchanged base first): chr2-73601431-C-CT. GRCh37 (hg19) VCF-style: chr2-73828558-C-CT.
Other names: c.12114dup, p.Gln4039fs (NM_015120.4); short protein forms Q4038fs, Q4039fs.
Identifiers: ClinVar variation 1441753 (VCV001441753.6), dbSNP rs1675685953, ClinGen allele CA1261034165.
Genomic context (GRCh38, chr2:73,601,431, plus strand): 5'-CTGGCAGGCCCAGGCAGAGAGGCTGGCAGAGACCTACTGAGGCCATTTGTGAGAGCAACC[C>CT]TTCAGGTGCAGTGACGTTGACTTAACTTTAATGCTACGTGTAGGGAGAAGAAGGGCAAGG-3'

ClinVar aggregate classification (germline): Pathogenic (1 of 4 stars; one submission).

Conditions:
Alstrom syndrome (ALMS). Identifiers: Orphanet 64, MedGen C0268425, MONDO:0008763, OMIM 203800.

Submission:

Labcorp Genetics (formerly Invitae), Labcorp
Classification: Pathogenic for Alstrom syndrome. Last evaluated: 2024-02-02. Review status: criteria provided, single submitter. Criteria: Invitae Variant Classification Sherloc (09022015). Collection method: clinical testing. Allele origin: germline.
Comment: This sequence change creates a premature translational stop signal (p.Gln4039Serfs*10) in the ALMS1 gene. It is expected to result in an absent or disrupted protein product. Loss-of-function variants in ALMS1 are known to be pathogenic (PMID: 17594715). This variant is not present in population databases (gnomAD no frequency). This variant has not been reported in the literature in individuals affected with ALMS1-related conditions. ClinVar contains an entry for this variant (Variation ID: 1441753). For these reasons, this variant has been classified as Pathogenic.

Literature cited by the submitters: PubMed 17594715.